The following is an entry in ClinVar:

NM_198578.4(LRRK2):c.1664G>C (p.Gly555Ala)

Gene: LRRK2 (leucine rich repeat kinase 2; plus strand). Cytogenetic location: 12q12.
Variant type: single nucleotide variant.
Coding change: c.1664G>C on transcript NM_198578.4 (MANE Select); coding-DNA position 1664, G replaced by C.
Protein change: p.Gly555Ala; replaces glycine 555 with alanine.
Molecular consequence: missense variant.
Genome position (GRCh38, 1-based): chr12:40,274,590, G>C. VCF-style: chr12-40274590-G-C. GRCh37 (hg19) VCF-style: chr12-40668392-G-C.
Other names: short protein forms G555A.
Identifiers: ClinVar variation 3292027 (VCV003292027.1).

ClinVar aggregate classification (germline): Uncertain significance (1 of 4 stars; one submission).

Conditions:
Inborn genetic diseases. Identifiers: MedGen C0950123, MeSH D030342.

Submission:

Ambry Genetics
Classification: Uncertain significance for Inborn genetic diseases. Last evaluated: 2024-05-23. Review status: criteria provided, single submitter. Criteria: Ambry Variant Classification Scheme 2023. Collection method: clinical testing. Allele origin: germline.
Comment: The p.G555A variant (also known as c.1664G>C), located in coding exon 15 of the LRRK2 gene, results from a G to C substitution at nucleotide position 1664. The glycine at codon 555 is replaced by alanine, an amino acid with similar properties. This amino acid position is conserved. In addition, this alteration is predicted to be deleterious by in silico analysis. Based on the available evidence, the clinical significance of this variant remains unclear.